The following is an entry in ClinVar:

ClinVar aggregate classification (germline): Pathogenic/Likely pathogenic. Review status: criteria provided, multiple submitters, no conflicts (2 of 4 stars). 4 submissions from 4 submitters: Pathogenic (2); Likely pathogenic (2). Last evaluated 2024-08-14.

Conditions:
Roberts-SC phocomelia syndrome (RBS). Also called: LONG BONE DEFICIENCIES ASSOCIATED WITH CLEFT LIP-PALATE; ESCO2 Spectrum Disorder; Hypomelia hypotrichosis facial hemangioma syndrome; Pseudothalidomide syndrome; Appelt-Gerken-Lenz syndrome. Identifiers: Orphanet 3103, MedGen C0392475, MONDO:0100253, OMIM 268300.
Juberg-Hayward syndrome (JHS). Also called: Cleft lip/palate with abnormal thumbs and microcephaly; OROCRANIODIGITAL SYNDROME. Identifiers: Orphanet 2319, MedGen C0796099, MONDO:0008992, OMIM 216100.

Submissions (4):

Natera, Inc.
Classification: Likely pathogenic for Roberts syndrome. Last evaluated: 2024-08-14. Review status: criteria provided, single submitter. Criteria: Natera Variant Classification Schema (03/2026). Collection method: clinical testing. Allele origin: germline.
Comment: The c.911dupA variant in ESCO2 is a frameshift variant predicted to shift the reading frame beginning at codon 304 and leads to a stop codon 2 codons downstream. This variant may result in a truncated or dysfunctional protein product. This variant is rare in the general population with a frequency below the threshold expected for the associated phenotype(s). Given the available evidence, this variant is classified as Likely Pathogenic.

Fulgent Genetics
Classification: Likely pathogenic for Juberg-Hayward syndrome; Roberts-SC phocomelia syndrome. Last evaluated: 2024-05-01. Review status: criteria provided, single submitter. Criteria: ACMG Guidelines, 2015. Collection method: clinical testing. Allele origin: germline.

Labcorp Genetics (formerly Invitae), Labcorp
Classification: Pathogenic. Last evaluated: 2023-10-27. Review status: criteria provided, single submitter. Criteria: Invitae Variant Classification Sherloc (09022015). Collection method: clinical testing. Allele origin: germline.
Comment: This sequence change creates a premature translational stop signal (p.Asn304Lysfs*2) in the ESCO2 gene. It is expected to result in an absent or disrupted protein product. Loss-of-function variants in ESCO2 are known to be pathogenic (PMID: 15821733, 16380922). This variant is present in population databases (rs797045566, gnomAD 0.0009%). This variant has not been reported in the literature in individuals affected with ESCO2-related conditions. ClinVar contains an entry for this variant (Variation ID: 210962). For these reasons, this variant has been classified as Pathogenic.

Genetic Services Laboratory, University of Chicago
Classification: Pathogenic for Roberts syndrome. Last evaluated: 2013-02-21. Review status: criteria provided, single submitter. Criteria: ACMG Guidelines, 2007. Collection method: clinical testing. Allele origin: germline. Affected: yes.

Literature cited by the submitters: PubMed 15821733 (cited by Labcorp Genetics (formerly Invitae), Labcorp); PubMed 16380922 (cited by Labcorp Genetics (formerly Invitae), Labcorp).

NM_001017420.3(ESCO2):c.911dup (p.Asn304fs)

Gene: ESCO2 (establishment of sister chromatid cohesion N-acetyltransferase 2; plus strand). Cytogenetic location: 8p21.1.
Variant type: Duplication.
Coding change: c.911dup on transcript NM_001017420.3 (MANE Select); coding-DNA position 911, one base duplicated (A; older notation c.911dupA).
Protein change: p.Asn304fs; shifts the reading frame from asparagine 304.
Molecular consequence: frameshift variant.
Genome position (GRCh38, 1-based): chr8:27,780,223, A duplicated; the last of 5 consecutive A bases (chr8:27,780,219-27,780,223); duplicating any one gives the same sequence. VCF-style (leftmost placement, unchanged base first): chr8-27780218-T-TA. GRCh37 (hg19) VCF-style: chr8-27637735-T-TA.
Other names: c.911dupA (NM_001017420.2); short protein forms N304fs.
Identifiers: ClinVar variation 210962 (VCV000210962.13), dbSNP rs797045566, ClinGen allele CA277315.